The following is an entry in ClinVar:

ClinVar aggregate classification (germline): Likely benign (1 of 4 stars; one submission).

Allele frequency attached by ClinVar (database versions not stated): TOPMed 0.00142; gnomAD exomes 0.00211; gnomAD 0.00217; 1000 Genomes Project 30x 0.00344; 1000 Genomes Project 0.00379; ExAC 0.00535.
gnomAD v4.1: 3,236 of 1,535,250 alleles (0.21%); highest among the groups gnomAD compares: South Asian, 0.87%; 23 homozygotes.

Submission:

CeGaT Center for Human Genetics Tuebingen
Classification: Likely benign. Last evaluated: 2023-07-01. Review status: criteria provided, single submitter. Criteria: CeGaT Center For Human Genetics Tuebingen Variant Classification Criteria Version 2. Collection method: clinical testing. Allele origin: germline. Affected: yes. Observed: 5 variant alleles.
Comment: ADAMTS10: BS2

NM_030957.4(ADAMTS10):c.2866-71A>T

Gene: ADAMTS10 (ADAM metallopeptidase with thrombospondin type 1 motif 10; minus strand). Cytogenetic location: 19p13.2.
Variant type: single nucleotide variant.
Coding change: c.2866-71A>T on transcript NM_030957.4 (MANE Select); 71 bases into the intron before coding-DNA position 2866, A replaced by T.
Molecular consequence: intron variant.
Genome position (GRCh38, 1-based): chr19:8,585,379, T>A on the plus strand (A>T on the coding strand, the complement: ADAMTS10 is on the minus strand). VCF-style: chr19-8585379-T-A. GRCh37 (hg19) VCF-style: chr19-8650263-T-A.
Other names: c.1327-71A>T (NM_001282352.2).
Identifiers: ClinVar variation 2571029 (VCV002571029.27), dbSNP rs144048693, ClinGen allele CA9159998.